The following is an entry in ClinVar:

ClinVar aggregate classification (germline): Pathogenic (1 of 4 stars; one submission).

Submission:

GeneDx
Classification: Pathogenic. Last evaluated: 2017-03-17. Review status: criteria provided, single submitter. Criteria: GeneDx Variant Classification (06012015). Collection method: clinical testing. Allele origin: germline. Affected: yes.
Comment: This pathogenic variant destroys the canonical splice donor site in intron 10, and is expected to cause abnormal gene splicing. The c.1173+1 G>C variant is not observed in large population cohorts (Lek et al., 2016; 1000 Genomes Consortium et al., 2015; Exome Variant Server).

NM_000444.6(PHEX):c.1173+1G>C

Gene: PHEX (phosphate regulating endopeptidase X-linked; plus strand). Cytogenetic location: Xp22.11.
Variant type: single nucleotide variant.
Coding change: c.1173+1G>C on transcript NM_000444.6 (MANE Select); the canonical splice donor site of the intron after coding-DNA position 1173, G replaced by C.
Molecular consequence: splice donor variant.
Genome position (GRCh38, 1-based): chrX:22,111,561, G>C. VCF-style: chrX-22111561-G-C. GRCh37 (hg19) VCF-style: chrX-22129679-G-C.
Other names: c.1173+1G>C (NM_001282754.2).
Identifiers: ClinVar variation 418406 (VCV000418406.2), dbSNP rs1064793227, ClinGen allele CA16621320.